The following is an entry in ClinVar:

ClinVar aggregate classification (germline): Uncertain significance (1 of 4 stars; one submission).

Conditions:
Medium-chain acyl-coenzyme A dehydrogenase deficiency (ACADMD). Also called: CARNITINE DEFICIENCY SECONDARY TO MEDIUM-CHAIN ACYL-CoA DEHYDROGENASE DEFICIENCY; MCADH DEFICIENCY; Medium chain acyl-CoA dehydrogenase deficiency; MCADD; ACADM DEFICIENCY; MCAD Deficiency. Identifiers: Orphanet 42, MedGen C0220710, MONDO:0008721, OMIM 201450.

Submission:

Myriad Genetics, Inc.
Classification: Uncertain significance for Medium-chain acyl-coenzyme A dehydrogenase deficiency. Last evaluated: 2026-05-29. Review status: criteria provided, single submitter. Criteria: Myriad Autosomal Dominant, Autosomal Recessive and X-Linked Classification Criteria (2023). Collection method: clinical testing. Allele origin: unknown.
Comment: NM_000016.4(ACADM):c.1157_1161del5ins5(P386H) is a missense variant classified as a variant of uncertain significance in the context of medium-chain acyl-CoA dehydrogenase deficiency. P386H has not been observed in cases with relevant disease. Relevant functional assessments of this variant are not available in the literature. P386H has not been observed in referenced population frequency databases. In summary, there is insufficient evidence to classify NM_000016.4(ACADM):c.1157_1161del5ins5(P386H) as pathogenic or benign. Please note: this variant was assessed in the context of healthy population screening.

NM_000016.6(ACADM):c.1157_1161delinsATGTG (p.Pro386His)

Gene: ACADM (acyl-CoA dehydrogenase medium chain; plus strand). Cytogenetic location: 1p31.1.
Variant type: Indel.
Coding change: c.1157_1161delinsATGTG on transcript NM_000016.6 (MANE Select); coding-DNA positions 1157 to 1161, CTGTA replaced by ATGTG.
Protein change: p.Pro386His; replaces proline 386 with histidine.
Molecular consequence: missense variant.
Genome position (GRCh38, 1-based): chr1:75,761,333-75,761,337, CTGTA replaced by ATGTG. VCF-style: chr1-75761333-CTGTA-ATGTG. GRCh37 (hg19) VCF-style: chr1-76227018-CTGTA-ATGTG.
Other names: c.1169_1173delinsATGTG, p.Pro390His (NM_001127328.3); c.1049_1053delinsATGTG, p.Pro350His (NM_001286042.2); c.1256_1260delinsATGTG, p.Pro419His (NM_001286043.2); c.590_594delinsATGTG, p.Pro197His (NM_001286044.2); short protein forms P197H, P350H, P390H, P419H, P386H.
Identifiers: ClinVar variation 5004706 (VCV005004706.1).